The following is an entry in ClinVar:

ClinVar aggregate classification (germline): Uncertain significance (1 of 4 stars; one submission).

Conditions:
AFF3-related disorder. Also called: AFF3-related condition.

Submission:

PreventionGenetics, part of Exact Sciences
Classification: Uncertain significance for AFF3-related condition. Last evaluated: 2026-09-03. Review status: criteria provided, single submitter. Criteria: ACMG Guidelines, 2015. Collection method: clinical testing. Allele origin: germline.
Comment: The AFF3 c.187G>A variant is predicted to result in the amino acid substitution p.Asp63Asn. To our knowledge, this variant has not been reported in the literature or in a large population database (gnomAD), indicating this variant is rare. At this time, the clinical significance of this variant is uncertain due to the absence of conclusive functional and genetic evidence.

NM_001386135.1(AFF3):c.187G>A (p.Asp63Asn)

Gene: AFF3 (ALF transcription elongation factor 3; minus strand). Cytogenetic location: 2q11.2.
Variant type: single nucleotide variant.
Coding change: c.187G>A on transcript NM_001386135.1 (MANE Select); coding-DNA position 187, G replaced by A.
Protein change: p.Asp63Asn; replaces aspartic acid 63 with asparagine.
Molecular consequence: missense variant.
Genome position (GRCh38, 1-based): chr2:100,007,448, C>T on the plus strand (G>A on the coding strand, the complement: AFF3 is on the minus strand). VCF-style: chr2-100007448-C-T. GRCh37 (hg19) VCF-style: chr2-100623910-C-T.
Other names: c.262G>A, p.Asp88Asn (NM_001025108.2); c.187G>A, p.Asp63Asn (NM_002285.3); short protein forms D88N, D63N.
Identifiers: ClinVar variation 4991612 (VCV004991612.1).
Genomic context (GRCh38, chr2:100,007,448, plus strand): 5'-AAAAGTCTTTCATTTCATCATAATTGCCTAAAGTGTTCTGGATCCGGTTGGAGAGTTCAT[C>T]CCCCTTGTTAGTCTGGAGAAAGAAAAACACATCCACGCTATTGTTAGAGACAACAGAAAC-3'
Protein context (NP_001373064.1, residues 53-73): FSEPYKTNKG[Asp63Asn]ELSNRIQNTL